The following is an entry in ClinVar:

ClinVar aggregate classification (germline): Likely benign. Review status: criteria provided, multiple submitters, no conflicts (2 of 4 stars). 4 submissions from 4 submitters: Likely benign (3). 1 of the submissions does not count toward it. Last evaluated 2025-12-03.

Conditions:
CTDP1-related disorder. Also called: CTDP1-related condition.

Allele frequency attached by ClinVar (database versions not stated): gnomAD exomes 0.00005 and 0.00013; 1000 Genomes Project 30x 0.00031; gnomAD 0.00031 and 0.00035; TOPMed 0.00037; 1000 Genomes Project 0.00040; ExAC 0.00041.
gnomAD v4.1: 135 of 1,545,800 alleles (0.0087%); highest among the groups gnomAD compares: African/African-American, 0.11%; no homozygotes.

Submissions (4):

Labcorp Genetics (formerly Invitae), Labcorp
Classification: Likely benign. Last evaluated: 2025-12-03. Review status: criteria provided, single submitter. Criteria: Invitae Variant Classification Sherloc (09022015). Collection method: clinical testing. Allele origin: germline.

Mayo Clinic Laboratories, Mayo Clinic
Classification: Likely benign. Last evaluated: 2025-09-05. Review status: criteria provided, single submitter. Criteria: ACMG Guidelines, 2015. Collection method: clinical testing. Allele origin: germline. Observed: 2 variant alleles.
Comment: BP4, BP7

Ambry Genetics
Classification: Likely benign. Last evaluated: 2023-06-16. Review status: criteria provided, single submitter. Criteria: Ambry Variant Classification Scheme 2023. Collection method: clinical testing. Allele origin: germline.

PreventionGenetics, part of Exact Sciences
Classification: Likely benign for CTDP1-related condition. Last evaluated: 2022-05-27. Review status: no assertion criteria provided. Collection method: clinical testing. Allele origin: germline. Not counted in ClinVar's aggregate classification.
Comment: This variant is classified as likely benign based on ACMG/AMP sequence variant interpretation guidelines (Richards et al. 2015 PMID: 25741868, with internal and published modifications).

NM_004715.5(CTDP1):c.2727G>A (p.Ala909=)

Gene: CTDP1 (CTD phosphatase subunit 1; plus strand). Cytogenetic location: 18q23.
Variant type: single nucleotide variant.
Coding change: c.2727G>A on transcript NM_004715.5 (MANE Select); coding-DNA position 2727, G replaced by A.
Protein change: p.Ala909=; no amino-acid change (alanine 909 retained).
Molecular consequence: synonymous variant. On other transcripts: missense variant (1), intron variant (1).
Genome position (GRCh38, 1-based): chr18:79,736,501, G>A. VCF-style: chr18-79736501-G-A. GRCh37 (hg19) VCF-style: chr18-77496501-G-A.
Other names: p.Ala909=; c.2564G>A (NM_048368.3); c.2370G>A, p.Ala790= (NM_001202504.1); c.2564G>A, p.Arg855Gln (NM_048368.4); c.2580+7432G>A (NM_001318511.2); short protein forms R855Q.
Identifiers: ClinVar variation 717570 (VCV000717570.12), dbSNP rs142544366, ClinGen allele CA9010683.